The following is an entry in ClinVar:

ClinVar aggregate classification (germline): Likely benign (1 of 4 stars; one submission).

Conditions:
Familial cancer of breast. Also called: Hereditary breast cancer; hereditary breast carcinoma; BREAST CANCER, FAMILIAL. Identifiers: Orphanet 227535, MedGen C0346153, MONDO:0016419, OMIM 114480. Disease mechanism: loss of function.

Submission:

Myriad Genetics, Inc.
Classification: Likely benign for Familial cancer of breast. Last evaluated: 2025-01-16. Review status: criteria provided, single submitter. Criteria: Myriad Autosomal Dominant, Autosomal Recessive and X-Linked Classification Criteria (2023). Collection method: clinical testing. Allele origin: unknown.
Comment: This variant is considered likely benign. This variant is intronic and is not expected to impact mRNA splicing.

NM_024675.4(PALB2):c.2587-13G>C

Gene: PALB2 (partner and localizer of BRCA2; minus strand). Cytogenetic location: 16p12.2.
Variant type: single nucleotide variant.
Coding change: c.2587-13G>C on transcript NM_024675.4 (MANE Select); 13 bases into the intron before coding-DNA position 2587, G replaced by C.
Molecular consequence: intron variant.
Genome position (GRCh38, 1-based): chr16:23,626,410, C>G on the plus strand (G>C on the coding strand, the complement: PALB2 is on the minus strand). VCF-style: chr16-23626410-C-G. GRCh37 (hg19) VCF-style: chr16-23637731-C-G.
Other names: c.1702-13G>C (NM_001407308.1, NM_001407306.1, NM_001407309.1 and 4 more transcripts); c.121-13G>C (NM_001407314.1); c.799-13G>C (NM_001407313.1, NM_001407312.1); c.2527-13G>C (NM_001407296.1); c.2515-13G>C (NM_001407297.1); c.2587-2316G>C (NM_001407302.1, NM_001407298.1); c.2587-13G>C (NM_001407300.1, NM_001407299.1, NM_001407301.1); c.1702-2316G>C (NM_001407307.1).
Identifiers: ClinVar variation 3904320 (VCV003904320.1).